The following is an entry in ClinVar:

ClinVar aggregate classification (germline): Uncertain significance (1 of 4 stars; one submission).

Submission:

Labcorp Genetics (formerly Invitae), Labcorp
Classification: Uncertain significance. Last evaluated: 2021-02-26. Review status: criteria provided, single submitter. Criteria: Invitae Variant Classification Sherloc (09022015). Collection method: clinical testing. Allele origin: germline.
Comment: In summary, the available evidence is currently insufficient to determine the role of this variant in disease. Therefore, it has been classified as a Variant of Uncertain Significance. Algorithms developed to predict the effect of missense changes on protein structure and function (SIFT, PolyPhen-2, Align-GVGD) all suggest that this variant is likely to be disruptive, but these predictions have not been confirmed by published functional studies and their clinical significance is uncertain. This variant has not been reported in the literature in individuals with NEUROG3-related conditions. This variant is not present in population databases (ExAC no frequency). This sequence change replaces leucine with arginine at codon 119 of the NEUROG3 protein (p.Leu119Arg). The leucine residue is highly conserved and there is a moderate physicochemical difference between leucine and arginine.

NM_020999.4(NEUROG3):c.356T>G (p.Leu119Arg)

Gene: NEUROG3 (neurogenin 3; minus strand). Cytogenetic location: 10q22.1.
Variant type: single nucleotide variant.
Coding change: c.356T>G on transcript NM_020999.4 (MANE Select); coding-DNA position 356, T replaced by G.
Protein change: p.Leu119Arg; replaces leucine 119 with arginine.
Molecular consequence: missense variant.
Genome position (GRCh38, 1-based): chr10:69,572,688, A>C on the plus strand (T>G on the coding strand, the complement: NEUROG3 is on the minus strand). VCF-style: chr10-69572688-A-C. GRCh37 (hg19) VCF-style: chr10-71332444-A-C.
Other names: short protein forms L119R.
Identifiers: ClinVar variation 1412007 (VCV001412007.8), dbSNP rs2133227040, ClinGen allele CA376922205.